The following is an entry in ClinVar:

ClinVar aggregate classification (germline): Benign. Review status: criteria provided, multiple submitters, no conflicts (2 of 4 stars). 4 submissions from 4 submitters: Benign (3). 1 of the submissions does not count toward it. Last evaluated 2026-02-02.

Conditions:
Combined oxidative phosphorylation defect type 11. Also called: ENCEPHALONEUROMYOPATHY, INFANTILE, DUE TO MITOCHONDRIAL TRANSLATION DEFECT; Combined oxidative phosphorylation deficiency 11. Identifiers: Orphanet 324535, MedGen C5190991, MONDO:0013969, OMIM 614922.

Allele frequency attached by ClinVar (database versions not stated): 1000 Genomes Project 30x 0.07277; ExAC 0.10412; TOPMed 0.08927; gnomAD 0.09804 and 0.09721; ESP Exome Variant Server 0.10280; 1000 Genomes Project 0.07228.
gnomAD v4.1: 182,198 of 1,613,896 alleles (11%); highest among the groups gnomAD compares: Middle Eastern, 19%; 10,919 homozygotes.

Submissions (4):

Labcorp Genetics (formerly Invitae), Labcorp
Classification: Benign. Last evaluated: 2026-02-02. Review status: criteria provided, single submitter. Criteria: Invitae Variant Classification Sherloc (09022015). Collection method: clinical testing. Allele origin: germline.

Genome-Nilou Lab
Classification: Benign for Combined oxidative phosphorylation defect type 11. Last evaluated: 2021-11-07. Review status: criteria provided, single submitter. Criteria: ACMG Guidelines, 2015. Collection method: clinical testing. Allele origin: germline. Affected: no.

GeneDx
Classification: Benign. Last evaluated: 2013-11-20. Review status: criteria provided, single submitter. Criteria: GeneDx Variant Classification (06012015). Collection method: clinical testing. Allele origin: germline. Affected: yes.
Comment: This variant is considered likely benign or benign based on one or more of the following criteria: it is a conservative change, it occurs at a poorly conserved position in the protein, it is predicted to be benign by multiple in silico algorithms, and/or has population frequency not consistent with disease.

Mayo Clinic Laboratories, Mayo Clinic
Classification: Benign. Last evaluated: 2016-02-22. Review status: no assertion criteria provided. Collection method: clinical testing. Allele origin: unknown. Not counted in ClinVar's aggregate classification.

NM_017909.4(RMND1):c.125G>T (p.Ser42Ile)

Gene: RMND1 (required for meiotic nuclear division 1 homolog; minus strand). Cytogenetic location: 6q25.1.
Variant type: single nucleotide variant.
Coding change: c.125G>T on transcript NM_017909.4 (MANE Select); coding-DNA position 125, G replaced by T.
Protein change: p.Ser42Ile; replaces serine 42 with isoleucine.
Molecular consequence: missense variant. On other transcripts: intron variant (1).
Genome position (GRCh38, 1-based): chr6:151,445,687, C>A on the plus strand (G>T on the coding strand, the complement: RMND1 is on the minus strand). VCF-style: chr6-151445687-C-A. GRCh37 (hg19) VCF-style: chr6-151766822-C-A.
Other names: p.S42I:AGC>ATC; c.-7+6329G>T (NM_001271937.2); short protein forms S42I.
Identifiers: ClinVar variation 138917 (VCV000138917.15), dbSNP rs11550103, ClinGen allele CA293088.